The following is an entry in ClinVar:

ClinVar aggregate classification (germline): Uncertain significance (1 of 4 stars; one submission).

Conditions:
Alzheimer disease. Also called: Presenile and senile dementia; Alzheimer's disease. Identifiers: Orphanet 1020, MedGen C0002395, MeSH D000544, MONDO:0004975, HP:0002511.

Allele frequency attached by ClinVar (database versions not stated): gnomAD exomes below 0.00001 and 0.00001; ExAC 0.00001.
gnomAD v4.1: 6 of 1,614,118 alleles (0.00037%); highest among the groups gnomAD compares: Admixed American, 0.0067%; no homozygotes.

Submission:

Labcorp Genetics (formerly Invitae), Labcorp
Classification: Uncertain significance for Alzheimer disease. Last evaluated: 2022-03-15. Review status: criteria provided, single submitter. Criteria: Invitae Variant Classification Sherloc (09022015). Collection method: clinical testing. Allele origin: germline.
Comment: Algorithms developed to predict the effect of missense changes on protein structure and function are either unavailable or do not agree on the potential impact of this missense change (SIFT: "Deleterious"; PolyPhen-2: "Probably Damaging"; Align-GVGD: "Class C15"). In summary, the available evidence is currently insufficient to determine the role of this variant in disease. Therefore, it has been classified as a Variant of Uncertain Significance. This variant has not been reported in the literature in individuals affected with APP-related conditions. This variant is present in population databases (rs748980864, gnomAD 0.009%). This sequence change replaces glutamic acid, which is acidic and polar, with glycine, which is neutral and non-polar, at codon 605 of the APP protein (p.Glu605Gly).

NM_000484.4(APP):c.1814A>G (p.Glu605Gly)

Gene: APP (amyloid beta precursor protein; minus strand). Cytogenetic location: 21q21.3.
Variant type: single nucleotide variant.
Coding change: c.1814A>G on transcript NM_000484.4 (MANE Select); coding-DNA position 1814, A replaced by G.
Protein change: p.Glu605Gly; replaces glutamic acid 605 with glycine.
Molecular consequence: missense variant.
Genome position (GRCh38, 1-based): chr21:25,911,836, T>C on the plus strand (A>G on the coding strand, the complement: APP is on the minus strand). VCF-style: chr21-25911836-T-C. GRCh37 (hg19) VCF-style: chr21-27284148-T-C.
Other names: c.1742A>G, p.Glu581Gly (NM_001136016.3); c.1421A>G, p.Glu474Gly (NM_001136129.3); c.1646A>G, p.Glu549Gly (NM_001136130.3, NM_001385253.1); c.1484A>G, p.Glu495Gly (NM_001136131.3); c.1814A>G, p.Glu605Gly (NM_001204301.2); c.1757A>G, p.Glu586Gly (NM_001204302.2, NM_201413.3); c.1589A>G, p.Glu530Gly (NM_001204303.2, NM_201414.3); short protein forms E495G, E605G, E474G, E549G, E586G, E581G, E530G.
Identifiers: ClinVar variation 1434207 (VCV001434207.4), dbSNP rs748980864, ClinGen allele CA9987189.